The following is an entry in ClinVar:

NM_018344.6(SLC29A3):c.301-2A>G

Genes: SLC29A3 (solute carrier family 29 member 3; plus strand), LOC105378353 (uncharacterized LOC105378353; minus strand). Cytogenetic location: 10q22.1.
Variant type: single nucleotide variant.
Coding change: c.301-2A>G on transcript NM_018344.6 (MANE Select); the canonical splice acceptor site of the intron before coding-DNA position 301, A replaced by G.
Molecular consequence: splice acceptor variant.
Genome position (GRCh38, 1-based): chr10:71,344,207, A>G. VCF-style: chr10-71344207-A-G. GRCh37 (hg19) VCF-style: chr10-73103964-A-G.
Other names: c.67-2A>G (NM_001363518.2); c.301-2A>G (NM_001174098.2).
Identifiers: ClinVar variation 3700122 (VCV003700122.2).

ClinVar aggregate classification (germline): Likely pathogenic (1 of 4 stars; one submission).

Conditions:
H syndrome. Also called: HISTIOCYTOSIS AND LYMPHADENOPATHY WITH OR WITHOUT CUTANEOUS, CARDIAC, AND/OR ENDOCRINE FEATURES, JOINT CONTRACTURES, AND/OR DEAFNESS; HYPERPIGMENTATION, CUTANEOUS, WITH HYPERTRICHOSIS, HEPATOSPLENOMEGALY, HEART ANOMALIES, AND HYPOGONADISM WITH OR WITHOUT HEARING LOSS; PIGMENTED HYPERTRICHOSIS WITH INSULIN-DEPENDENT DIABETES MELLITUS; ROSAI-DORFMAN DISEASE, FAMILIAL; SINUS HISTIOCYTOSIS AND MASSIVE LYMPHADENOPATHY; Hyperpigmentation, Cutaneous, with Hypertrichosis, Hepatosplenomegaly, Heart Anomalies, Hearing Loss, and Hypogonadism. Identifiers: Orphanet 168569, MedGen C1864445, MONDO:0011273, OMIM 602782.

gnomAD v4.1: 2 of 1,613,864 alleles (0.00012%); highest among the groups gnomAD compares: East Asian, 0.0022%; no homozygotes.

Submission:

Labcorp Genetics (formerly Invitae), Labcorp
Classification: Likely pathogenic for H syndrome. Last evaluated: 2024-04-09. Review status: criteria provided, single submitter. Criteria: Invitae Variant Classification Sherloc (09022015). Collection method: clinical testing. Allele origin: germline.
Comment: This sequence change affects an acceptor splice site in intron 2 of the SLC29A3 gene. It is expected to disrupt RNA splicing. Variants that disrupt the donor or acceptor splice site typically lead to a loss of protein function (PMID: 16199547), and loss-of-function variants in SLC29A3 are known to be pathogenic (PMID: 19336477, 20595384, 23406517, 25963354). This variant is present in population databases (rs538214752, gnomAD 0.006%). This variant has not been reported in the literature in individuals affected with SLC29A3-related conditions. Algorithms developed to predict the effect of sequence changes on RNA splicing suggest that this variant may disrupt the consensus splice site. In summary, the currently available evidence indicates that the variant is pathogenic, but additional data are needed to prove that conclusively. Therefore, this variant has been classified as Likely Pathogenic.

Literature cited by the submitters: PubMed 16199547; PubMed 19336477; PubMed 20595384; PubMed 23406517; PubMed 25963354.